The following is an entry in ClinVar:

ClinVar aggregate classification (germline): Uncertain significance (1 of 4 stars; one submission).

Conditions:
Kabuki syndrome. Also called: NIIKAWA-KUROKI SYNDROME; Kabuki make-up syndrome. Identifiers: Orphanet 2322, MedGen C0796004, MONDO:0016512.

Submission:

Labcorp Genetics (formerly Invitae), Labcorp
Classification: Uncertain significance for Kabuki syndrome. Last evaluated: 2023-03-04. Review status: criteria provided, single submitter. Criteria: Invitae Variant Classification Sherloc (09022015). Collection method: clinical testing. Allele origin: germline.
Comment: This variant has not been reported in the literature in individuals affected with KMT2D-related conditions. Advanced modeling of protein sequence and biophysical properties (such as structural, functional, and spatial information, amino acid conservation, physicochemical variation, residue mobility, and thermodynamic stability) performed at Invitae indicates that this missense variant is not expected to disrupt KMT2D protein function. This variant is not present in population databases (gnomAD no frequency). This sequence change replaces threonine, which is neutral and polar, with serine, which is neutral and polar, at codon 1919 of the KMT2D protein (p.Thr1919Ser). In summary, the available evidence is currently insufficient to determine the role of this variant in disease. Therefore, it has been classified as a Variant of Uncertain Significance.

NM_003482.4(KMT2D):c.5755A>T (p.Thr1919Ser)

Gene: KMT2D (lysine methyltransferase 2D; minus strand). Cytogenetic location: 12q13.12.
Variant type: single nucleotide variant.
Coding change: c.5755A>T on transcript NM_003482.4 (MANE Select); coding-DNA position 5755, A replaced by T.
Protein change: p.Thr1919Ser; replaces threonine 1919 with serine.
Molecular consequence: missense variant.
Genome position (GRCh38, 1-based): chr12:49,042,768, T>A on the plus strand (A>T on the coding strand, the complement: KMT2D is on the minus strand). VCF-style: chr12-49042768-T-A. GRCh37 (hg19) VCF-style: chr12-49436551-T-A.
Other names: short protein forms T1919S.
Identifiers: ClinVar variation 2842966 (VCV002842966.3), dbSNP rs1555193607, ClinGen allele CA384628855.